The following is an entry in ClinVar:

NM_006231.4(POLE):c.6845del (p.Pro2282fs)

Gene: POLE (DNA polymerase epsilon, catalytic subunit; minus strand). Cytogenetic location: 12q24.33.
Variant type: Deletion.
Coding change: c.6845del on transcript NM_006231.4 (MANE Select); coding-DNA position 6845, one base deleted (C; older notation c.6845delC).
Protein change: p.Pro2282fs; shifts the reading frame from proline 2282.
Molecular consequence: frameshift variant.
Genome position (GRCh38, 1-based): chr12:132,624,713, G deleted on the plus strand (C on the coding strand, the reverse complement: POLE is on the minus strand); the first of 3 consecutive G bases (chr12:132,624,713-132,624,715); deleting any one gives the same sequence. VCF-style (leftmost placement, unchanged base first): chr12-132624712-TG-T. GRCh37 (hg19) VCF-style: chr12-133201298-TG-T.
Other names: short protein forms P2282fs.
Identifiers: ClinVar variation 4671898 (VCV004671898.1).

ClinVar aggregate classification (germline): Uncertain significance (1 of 4 stars; one submission).

Conditions:
Hereditary cancer-predisposing syndrome. Also called: Neoplastic Syndromes, Hereditary; Tumor predisposition; Hereditary Cancer Syndrome; Hereditary neoplastic syndrome. Identifiers: Orphanet 140162, MedGen C0027672, MeSH D009386, MONDO:0015356.

Submission:

Ambry Genetics
Classification: Uncertain significance for Hereditary cancer-predisposing syndrome. Last evaluated: 2025-10-28. Review status: criteria provided, single submitter. Criteria: Ambry Variant Classification Scheme 2023. Collection method: clinical testing. Allele origin: germline.
Comment: The c.6845delC variant, located in coding exon 49 of the POLE gene, results from a deletion of one nucleotide at nucleotide position 6845, causing a translational frameshift with a predicted alternate stop codon (p.P2282Hfs*44). This alteration occurs at the 3' terminus of the gene, is not expected to trigger nonsense-mediated mRNAdecay and results in the elongation of the protein by 38 amino acids. This frameshift impacts the last 5amino acids of the native protein. The exact functional effect of the altered amino acids is unknown. Based on the available evidence, the clinical significance of this variant remains unclear.